The following is an entry in ClinVar:

NM_001267550.2(TTN):c.25633G>A (p.Val8545Ile)

Gene: TTN (titin; minus strand). Cytogenetic location: 2q31.2.
Variant type: single nucleotide variant.
Coding change: c.25633G>A on transcript NM_001267550.2 (MANE Select); coding-DNA position 25633, G replaced by A.
Protein change: p.Val8545Ile; replaces valine 8545 with isoleucine.
Molecular consequence: missense variant. On other transcripts: intron variant (3).
Genome position (GRCh38, 1-based): chr2:178,717,101, C>T on the plus strand (G>A on the coding strand, the complement: TTN is on the minus strand). VCF-style: chr2-178717101-C-T. GRCh37 (hg19) VCF-style: chr2-179581828-C-T.
Other names: c.24682G>A, p.Val8228Ile (NM_001256850.1); c.21901G>A, p.Val7301Ile (NM_133378.4); c.13282+20981G>A (NM_003319.4); c.13858+20981G>A (NM_133437.4); c.13657+20981G>A (NM_133432.3); short protein forms V7301I, V8228I, V8545I.
Identifiers: ClinVar variation 2437618 (VCV002437618.27), dbSNP rs1246177699, ClinGen allele CA349483569.

ClinVar aggregate classification (germline): Conflicting classifications of pathogenicity. Review status: criteria provided, conflicting classifications (1 of 4 stars). 3 submissions from 3 submitters: Uncertain significance (2); Likely benign (1). Last evaluated 2026-03-27.

Allele frequency attached by ClinVar (database versions not stated): gnomAD exomes below 0.00001; TOPMed below 0.00001; gnomAD 0.00001.
gnomAD v4.1: 3 of 1,609,796 alleles (0.00019%); highest among the groups gnomAD compares: Non-Finnish European, 0.00025%; no homozygotes.

Submissions (3):

Molecular Diagnostic Laboratory for Inherited Cardiovascular Disease, Montreal Heart Institute
Classification: Likely benign. Last evaluated: 2026-03-27. Review status: criteria provided, single submitter. Criteria: ACMG Guidelines, 2015. Collection method: clinical testing. Allele origin: germline. Affected: no.
Comment: BP1

CeGaT Center for Human Genetics Tuebingen
Classification: Uncertain significance. Last evaluated: 2023-09-01. Review status: criteria provided, single submitter. Criteria: CeGaT Center For Human Genetics Tuebingen Variant Classification Criteria Version 2. Collection method: clinical testing. Allele origin: germline. Affected: yes. Observed: 1 variant allele.
Comment: TTN: PM2, BP4

Revvity Omics, Revvity
Classification: Uncertain significance. Last evaluated: 2019-06-27. Review status: criteria provided, single submitter. Criteria: ACMG Guidelines, 2015. Collection method: clinical testing. Allele origin: germline.